The following is an entry in ClinVar:

NM_153252.5(BRWD3):c.5297A>T (p.Asp1766Val)

Gene: BRWD3 (bromodomain and WD repeat domain containing 3; minus strand). Cytogenetic location: Xq21.1.
Variant type: single nucleotide variant.
Coding change: c.5297A>T on transcript NM_153252.5 (MANE Select); coding-DNA position 5297, A replaced by T.
Protein change: p.Asp1766Val; replaces aspartic acid 1766 with valine.
Molecular consequence: missense variant.
Genome position (GRCh38, 1-based): chrX:80,676,721, T>A on the plus strand (A>T on the coding strand, the complement: BRWD3 is on the minus strand). VCF-style: chrX-80676721-T-A. GRCh37 (hg19) VCF-style: chrX-79932220-T-A.
Other names: short protein forms D1766V.
Identifiers: ClinVar variation 807779 (VCV000807779.48), dbSNP rs199676970, ClinGen allele CA10461561.

ClinVar aggregate classification (germline): Uncertain significance. Review status: criteria provided, multiple submitters, no conflicts (2 of 4 stars). 3 submissions from 3 submitters: Uncertain significance (3). Last evaluated 2025-01-08.

Conditions:
Inborn genetic diseases. Identifiers: MedGen C0950123, MeSH D030342.

Allele frequency attached by ClinVar (database versions not stated): ExAC 0.00003; gnomAD 0.00003; gnomAD exomes 0.00003 and 0.00005; TOPMed 0.00006.
gnomAD v4.1: 38 of 1,209,687 alleles (0.0031%); highest among the groups gnomAD compares: Non-Finnish European, 0.00034%; no homozygotes.

Submissions (3):

Labcorp Genetics (formerly Invitae), Labcorp
Classification: Uncertain significance. Last evaluated: 2025-01-08. Review status: criteria provided, single submitter. Criteria: Invitae Variant Classification Sherloc (09022015). Collection method: clinical testing. Allele origin: germline.
Comment: This sequence change replaces aspartic acid, which is acidic and polar, with valine, which is neutral and non-polar, at codon 1766 of the BRWD3 protein (p.Asp1766Val). This variant is present in population databases (rs199676970, gnomAD 0.07%), including at least one homozygous and/or hemizygous individual. This variant has not been reported in the literature in individuals affected with BRWD3-related conditions. ClinVar contains an entry for this variant (Variation ID: 807779). Invitae Evidence Modeling of protein sequence and biophysical properties (such as structural, functional, and spatial information, amino acid conservation, physicochemical variation, residue mobility, and thermodynamic stability) has been performed for this missense variant. However, the output from this modeling did not meet the statistical confidence thresholds required to predict the impact of this variant on BRWD3 protein function. In summary, the available evidence is currently insufficient to determine the role of this variant in disease. Therefore, it has been classified as a Variant of Uncertain Significance.

Ambry Genetics
Classification: Uncertain significance for Inborn genetic diseases. Last evaluated: 2019-03-08. Review status: criteria provided, single submitter. Criteria: Ambry Variant Classification Scheme 2023. Collection method: clinical testing. Allele origin: germline.
Comment: The p.D1766V variant (also known as c.5297A>T), located in coding exon 41 of the BRWD3 gene, results from an A to T substitution at nucleotide position 5297. The aspartic acid at codon 1766 is replaced by valine, an amino acid with highly dissimilar properties. This amino acid position is highly conserved in available vertebrate species. In addition, the in silico prediction for this alteration is inconclusive. Since supporting evidence is limited at this time, the clinical significance of this alteration remains unclear.

CeGaT Center for Human Genetics Tuebingen
Classification: Uncertain significance. Last evaluated: 2017-03-01. Review status: criteria provided, single submitter. Criteria: CeGaT Center For Human Genetics Tuebingen Variant Classification Criteria Version 2. Collection method: clinical testing. Allele origin: germline. Affected: yes. Observed: 1 variant allele.